The following is an entry in ClinVar:

NM_012330.4(KAT6B):c.730+204T>C

Gene: KAT6B (lysine acetyltransferase 6B; plus strand). Cytogenetic location: 10q22.2.
Variant type: single nucleotide variant.
Coding change: c.730+204T>C on transcript NM_012330.4 (MANE Select); 204 bases into the intron after coding-DNA position 730, T replaced by C.
Molecular consequence: intron variant.
Genome position (GRCh38, 1-based): chr10:74,960,282, T>C. VCF-style: chr10-74960282-T-C. GRCh37 (hg19) VCF-style: chr10-76720040-T-C.
Other names: c.730+204T>C (NM_001370139.1, NM_001370136.1, NM_001370138.1 and 10 more transcripts); c.192+204T>C (NM_001370134.1, NM_001370135.1).
Identifiers: ClinVar variation 561580 (VCV000561580.1), dbSNP rs1868626, ClinGen allele CA209697533.

ClinVar aggregate classification (germline): Benign (1 of 4 stars; one submission).

Allele frequency attached by ClinVar (database versions not stated): gnomAD 0.07288 and 0.07930; TOPMed 0.07513; 1000 Genomes Project 0.12720; 1000 Genomes Project 30x 0.12836.
gnomAD v4.1: 11,973 of 152,248 alleles (7.9%); highest among the groups gnomAD compares: South Asian, 27%; 619 homozygotes.

Submission:

GeneDx
Classification: Benign. Last evaluated: 2018-06-19. Review status: criteria provided, single submitter. Criteria: GeneDx Variant Classification (06012015). Collection method: clinical testing. Allele origin: germline. Affected: yes.
Comment: This variant is considered likely benign or benign based on one or more of the following criteria: it is a conservative change, it occurs at a poorly conserved position in the protein, it is predicted to be benign by multiple in silico algorithms, and/or has population frequency not consistent with disease.